The following is an entry in ClinVar:

NM_004655.4(AXIN2):c.1200+10C>T

Gene: AXIN2 (axin 2; minus strand). Cytogenetic location: 17q24.1.
Variant type: single nucleotide variant.
Coding change: c.1200+10C>T on transcript NM_004655.4 (MANE Select); 10 bases into the intron after coding-DNA position 1200, C replaced by T.
Molecular consequence: intron variant.
Genome position (GRCh38, 1-based): chr17:65,538,193, G>A on the plus strand (C>T on the coding strand, the complement: AXIN2 is on the minus strand). VCF-style: chr17-65538193-G-A. GRCh37 (hg19) VCF-style: chr17-63534311-G-A.
Other names: c.1200+10C>T (NM_001363813.1, LRG_296t1).
Identifiers: ClinVar variation 415208 (VCV000415208.12), dbSNP rs746967147, ClinGen allele CA8718830.

ClinVar aggregate classification (germline): Likely benign. Review status: criteria provided, multiple submitters, no conflicts (2 of 4 stars). 2 submissions from 2 submitters: Likely benign (2). Last evaluated 2024-07-01.

Conditions:
Oligodontia-cancer predisposition syndrome. Also called: TOOTH AGENESIS-COLORECTAL CANCER SYNDROME. Identifiers: Orphanet 300576, MedGen C1837750, MONDO:0012075, OMIM 608615. Disease mechanism: loss of function.

Allele frequency attached by ClinVar (database versions not stated): gnomAD exomes below 0.00001; ExAC 0.00001.

Submissions (2):

Myriad Genetics, Inc.
Classification: Likely benign for Oligodontia-cancer predisposition syndrome. Last evaluated: 2024-07-01. Review status: criteria provided, single submitter. Criteria: Myriad Autosomal Dominant, Autosomal Recessive and X-Linked Classification Criteria (2023). Collection method: clinical testing. Allele origin: unknown.
Comment: This variant is considered likely benign. This variant is intronic and is not expected to impact mRNA splicing.

Labcorp Genetics (formerly Invitae), Labcorp
Classification: Likely benign for Oligodontia-cancer predisposition syndrome. Last evaluated: 2023-09-09. Review status: criteria provided, single submitter. Criteria: Invitae Variant Classification Sherloc (09022015). Collection method: clinical testing. Allele origin: germline.